The following is an entry in ClinVar:

ClinVar aggregate classification (germline): Uncertain significance. Review status: criteria provided, multiple submitters, no conflicts (2 of 4 stars). 2 submissions from 2 submitters: Uncertain significance (2). Last evaluated 2025-09-26.

Conditions:
Inborn genetic diseases. Identifiers: MedGen C0950123, MeSH D030342.
Spondyloenchondrodysplasia with immune dysregulation (SPENCDI). Also called: ROIFMAN IMMUNOSKELETAL SYNDROME; COMBINED IMMUNODEFICIENCY WITH AUTOIMMUNITY AND SPONDYLOMETAPHYSEAL DYSPLASIA; SPONDYLOENCHONDRODYSPLASIA WITH OR WITHOUT IMMUNE DYSREGULATION. Identifiers: Orphanet 1855, MedGen C1842763, MONDO:0011939, OMIM 607944.

Allele frequency attached by ClinVar (database versions not stated): gnomAD 0.00004; ESP Exome Variant Server 0.00008; ExAC 0.00004.
gnomAD v4.1: 42 of 1,614,046 alleles (0.0026%); highest among the groups gnomAD compares: South Asian, 0.013%; no homozygotes.

Submissions (2):

Ambry Genetics
Classification: Uncertain significance for Inborn genetic diseases. Last evaluated: 2025-09-26. Review status: criteria provided, single submitter. Criteria: Ambry Variant Classification Scheme 2023. Collection method: clinical testing. Allele origin: germline.

Labcorp Genetics (formerly Invitae), Labcorp
Classification: Uncertain significance for Spondyloenchondrodysplasia with immune dysregulation. Last evaluated: 2023-08-10. Review status: criteria provided, single submitter. Criteria: Invitae Variant Classification Sherloc (09022015). Collection method: clinical testing. Allele origin: germline.
Comment: This variant has not been reported in the literature in individuals affected with ACP5-related conditions. ClinVar contains an entry for this variant (Variation ID: 1492477). Advanced modeling of protein sequence and biophysical properties (such as structural, functional, and spatial information, amino acid conservation, physicochemical variation, residue mobility, and thermodynamic stability) performed at Invitae indicates that this missense variant is not expected to disrupt ACP5 protein function. In summary, the available evidence is currently insufficient to determine the role of this variant in disease. Therefore, it has been classified as a Variant of Uncertain Significance. This variant is present in population databases (rs371591030, gnomAD 0.02%). This sequence change replaces arginine with tryptophan at codon 56 of the ACP5 protein (p.Arg56Trp). The arginine residue is moderately conserved and there is a moderate physicochemical difference between arginine and tryptophan.

NM_001611.5(ACP5):c.166C>T (p.Arg56Trp)

Gene: ACP5 (acid phosphatase 5, tartrate resistant; minus strand). Cytogenetic location: 19p13.2.
Variant type: single nucleotide variant.
Coding change: c.166C>T on transcript NM_001611.5 (MANE Select); coding-DNA position 166, C replaced by T.
Protein change: p.Arg56Trp; replaces arginine 56 with tryptophan.
Molecular consequence: missense variant.
Genome position (GRCh38, 1-based): chr19:11,577,152, G>A on the plus strand (C>T on the coding strand, the complement: ACP5 is on the minus strand). VCF-style: chr19-11577152-G-A. GRCh37 (hg19) VCF-style: chr19-11687967-G-A.
Other names: c.166C>T, p.Arg56Trp (NM_001111034.3, NM_001111035.3, NM_001111036.3 and 1 more transcripts); c.166C>T (NM_001111035.1); short protein forms R56W.
Identifiers: ClinVar variation 1492477 (VCV001492477.6), dbSNP rs371591030, ClinGen allele CA9215513.